The following is an entry in ClinVar:

ClinVar aggregate classification (germline): Uncertain significance (1 of 4 stars; one submission).

Conditions:
Cardiovascular phenotype. Identifiers: MedGen CN230736.

Submission:

Ambry Genetics
Classification: Uncertain significance for Cardiovascular phenotype. Last evaluated: 2024-06-29. Review status: criteria provided, single submitter. Criteria: Ambry Variant Classification Scheme 2023. Collection method: clinical testing. Allele origin: germline.
Comment: The c.9202_9204delATA variant (also known as p.I3068del) is located in coding exon 37 of the AKAP9 gene. This variant results from an in-frame ATA deletion at nucleotide positions 9202 to 9204. This results in the in-frame deletion of an isoleucine at codon 3068. This amino acid position is not well conserved in available vertebrate species. In addition, this alteration is predicted to be deleterious by in silico analysis (Choi Y et al. PLoS ONE. 2012; 7(10):e46688). The evidence for this gene-disease relationship is limited; therefore, the clinical significance of this alteration is unclear.

NM_005751.5(AKAP9):c.9202_9204del (p.Ile3068del)

Gene: AKAP9 (A-kinase anchoring protein 9; plus strand). Cytogenetic location: 7q21.2.
Variant type: Deletion.
Coding change: c.9202_9204del on transcript NM_005751.5 (MANE Select); coding-DNA positions 9202 to 9204, 3 bases deleted (ATA; older notation c.9202_9204delATA).
Protein change: p.Ile3068del; deletes isoleucine 3068.
Genome position (GRCh38, 1-based): chr7:92,086,405-92,086,407, ATA deleted; deleting any 3 consecutive bases within chr7:92,086,404-92,086,407 gives the same sequence; the c. name uses the placement nearest the transcript's 3' end. VCF-style (leftmost placement, unchanged base first): chr7-92086403-GAAT-G. GRCh37 (hg19) VCF-style: chr7-91715717-GAAT-G.
Other names: c.3847_3849del, p.Ile1283del (NM_001379277.1); c.9178_9180del, p.Ile3060del (NM_147185.3); short protein forms I3060del, I3068del, I1283del.
Identifiers: ClinVar variation 3516089 (VCV003516089.1).